The following is an entry in ClinVar:

ClinVar aggregate classification (germline): Uncertain significance (0 of 4 stars; one submission).

Conditions:
CTNND1-related disorder. Also called: CTNND1-related condition.

Submission:

PreventionGenetics, part of Exact Sciences
Classification: Uncertain significance for CTNND1-related condition. Last evaluated: 2023-12-22. Review status: no assertion criteria provided. Collection method: clinical testing. Allele origin: germline.
Comment: The CTNND1 c.2808+1G>C variant is predicted to disrupt the GT donor site and interfere with normal splicing. To our knowledge, this variant has not been reported in the literature or in a large population database, indicating this variant is rare. Although loss-of-function variants in CTNND1 are expected to be pathogenic, relatively few splice site variants have been reported to date. Although we suspect that this variant may be pathogenic, at this time, the clinical significance of this variant is uncertain due to the absence of conclusive functional and genetic evidence.

NM_001085458.2(CTNND1):c.2808+1G>C

Genes: CTNND1 (catenin delta 1; plus strand), TMX2-CTNND1 (TMX2-CTNND1 readthrough (NMD candidate); plus strand). Cytogenetic location: 11q12.1.
Variant type: single nucleotide variant.
Coding change: c.2808+1G>C on transcript NM_001085458.2 (MANE Select); the canonical splice donor site of the intron after coding-DNA position 2808, G replaced by C.
Molecular consequence: splice donor variant.
Genome position (GRCh38, 1-based): chr11:57,815,501, G>C. VCF-style: chr11-57815501-G-C. GRCh37 (hg19) VCF-style: chr11-57582973-G-C.
Other names: c.2808+1G>C (NM_001206885.2); c.2790+1G>C (NM_001085459.2, NM_001085461.2, NM_001085460.2 and 1 more transcripts); c.2727+1G>C (NM_001331.3); c.2628+1G>C (NM_001206891.2, NM_001206889.2, NM_001206886.2 and 1 more transcripts); c.2487+1G>C (NM_001085467.2, NM_001206890.2, NM_001085464.2 and 2 more transcripts); c.2646+1G>C (NM_001206883.2, NM_001206884.2); c.2565+1G>C (NM_001206887.2); c.2505+1G>C (NM_001085463.2, NM_001085466.2); and 1 more.
Identifiers: ClinVar variation 3033813 (VCV003033813.2), dbSNP rs2497954529, ClinGen allele CA380816525.